The following is an entry in ClinVar:

NM_018972.4(GDAP1):c.311-6T>G

Gene: GDAP1 (ganglioside induced differentiation associated protein 1; plus strand). Cytogenetic location: 8q21.11.
Variant type: single nucleotide variant.
Coding change: c.311-6T>G on transcript NM_018972.4 (MANE Select); 6 bases into the intron before coding-DNA position 311, T replaced by G.
Molecular consequence: intron variant.
Genome position (GRCh38, 1-based): chr8:74,360,131, T>G. VCF-style: chr8-74360131-T-G. GRCh37 (hg19) VCF-style: chr8-75272366-T-G.
Other names: c.311-6T>G (NM_001362931.2); c.311-1753T>G (NM_001362930.2); c.-17-6T>G (NM_001362929.2, NM_001362932.2); c.107-6T>G (NM_001040875.4).
Identifiers: ClinVar variation 2824280 (VCV002824280.3), dbSNP rs2536740861, ClinGen allele CA2687668882.
Genomic context (GRCh38, chr8:74,360,131, plus strand): 5'-TTTTGCTTTTGAGTGTAACAACTCATGTGTAACTTTTTCTTCAATATTTGTGTGTGTGTA[T>G]TTTAGAAAGAACACCCAGGTTAATGCCTGATAAAGAAAGCATGTATTACCCACGGGTACA-3'

ClinVar aggregate classification (germline): Uncertain significance (1 of 4 stars; one submission).

Conditions:
Charcot-Marie-Tooth disease type 4A. Also called: Charcot-Marie-Tooth disease, demyelinating, autosomal recessive, type 4a. Identifiers: Orphanet 99948, MedGen C1859198, MONDO:0008961, OMIM 214400.

Allele frequency attached by ClinVar (database versions not stated): gnomAD exomes below 0.00001.

Submission:

Labcorp Genetics (formerly Invitae), Labcorp
Classification: Uncertain significance for Charcot-Marie-Tooth disease type 4A. Last evaluated: 2023-07-14. Review status: criteria provided, single submitter. Criteria: Invitae Variant Classification Sherloc (09022015). Collection method: clinical testing. Allele origin: germline.
Comment: This sequence change falls in intron 2 of the GDAP1 gene. It does not directly change the encoded amino acid sequence of the GDAP1 protein. This variant is not present in population databases (gnomAD no frequency). This variant has been observed in individual(s) with clinical features of autosomal recessive GDAP1-related conditions (Invitae). It has also been observed to segregate with disease in related individuals. Algorithms developed to predict the effect of sequence changes on RNA splicing suggest that this variant may disrupt the consensus splice site. In summary, the available evidence is currently insufficient to determine the role of this variant in disease. Therefore, it has been classified as a Variant of Uncertain Significance.